The following is an entry in ClinVar:

ClinVar aggregate classification (germline): Pathogenic/Likely pathogenic. Review status: criteria provided, multiple submitters, no conflicts (2 of 4 stars). 2 submissions from 2 submitters: Pathogenic (1); Likely pathogenic (1). Last evaluated 2022-08-09.

Conditions:
Developmental and epileptic encephalopathy, 9 (DEE9). Also called: Early infantile epileptic encephalopathy 9; EPILEPSY, FEMALE-RESTRICTED, WITH MENTAL RETARDATION; JUBERG-HELLMAN SYNDROME; PCDH19-Related X-Linked Female-Limited Epilepsy with Mental Retardation. Identifiers: Orphanet 101039, Orphanet 2076, MedGen C1848137, MONDO:0010246, OMIM 300088. Disease mechanism: loss of function.

Submissions (2):

Labcorp Genetics (formerly Invitae), Labcorp
Classification: Pathogenic for Developmental and epileptic encephalopathy, 9. Last evaluated: 2022-08-09. Review status: criteria provided, single submitter. Criteria: Invitae Variant Classification Sherloc (09022015). Collection method: clinical testing. Allele origin: germline.
Comment: For these reasons, this variant has been classified as Pathogenic. ClinVar contains an entry for this variant (Variation ID: 1328937). This variant has not been reported in the literature in individuals affected with PCDH19-related conditions. This variant is not present in population databases (gnomAD no frequency). This sequence change creates a premature translational stop signal (p.Glu910*) in the PCDH19 gene. It is expected to result in an absent or disrupted protein product. Loss-of-function variants in PCDH19 are known to be pathogenic (PMID: 21053371).

Stanford Center for Inherited Cardiovascular Disease, Stanford University
Classification: Likely pathogenic for Developmental and epileptic encephalopathy, 9. Review status: criteria provided, single submitter. Criteria: ACMG Guidelines, 2015. Collection method: clinical testing. Allele origin: de novo. Affected: yes.

Literature cited by the submitters: PubMed 21053371 (cited by Labcorp Genetics (formerly Invitae), Labcorp).

NM_001184880.2(PCDH19):c.2728G>T (p.Glu910Ter)

Gene: PCDH19 (protocadherin 19; minus strand). Cytogenetic location: Xq22.1.
Variant type: single nucleotide variant.
Coding change: c.2728G>T on transcript NM_001184880.2 (MANE Select); coding-DNA position 2728, G replaced by T.
Protein change: p.Glu910Ter; replaces glutamic acid 910 with a stop codon.
Molecular consequence: nonsense.
Genome position (GRCh38, 1-based): chrX:100,342,023, C>A on the plus strand (G>T on the coding strand, the complement: PCDH19 is on the minus strand). VCF-style: chrX-100342023-C-A. GRCh37 (hg19) VCF-style: chrX-99597021-C-A.
Other names: c.2587G>T, p.Glu863Ter (NM_001105243.2); c.2584G>T, p.Glu862Ter (NM_020766.3); short protein forms E862*, E863*, E910*.
Identifiers: ClinVar variation 1328937 (VCV001328937.19), dbSNP rs2147485081, ClinGen allele CA414000150.